The following is an entry in ClinVar:

ClinVar aggregate classification (germline): Uncertain significance (1 of 4 stars; one submission).

Conditions:
Congenital myopathy with internal nuclei and atypical cores. Also called: Myopathy, centronuclear, 4. Identifiers: Orphanet 319160, MedGen C4707232, MONDO:0013890, OMIM 614807.

Allele frequency attached by ClinVar (database versions not stated): gnomAD exomes below 0.00001.
gnomAD v4.1: 2 of 1,609,720 alleles (0.00012%); highest among the groups gnomAD compares: African/African-American, 0.0013%; no homozygotes.

Submission:

Labcorp Genetics (formerly Invitae), Labcorp
Classification: Uncertain significance for Congenital myopathy with internal nuclei and atypical cores. Last evaluated: 2021-09-20. Review status: criteria provided, single submitter. Criteria: Invitae Variant Classification Sherloc (09022015). Collection method: clinical testing. Allele origin: germline.
Comment: This variant has not been reported in the literature in individuals affected with CCDC78-related conditions. This variant is not present in population databases (ExAC no frequency). This sequence change falls in intron 9 of the CCDC78 gene. It does not directly change the encoded amino acid sequence of the CCDC78 protein. It affects a nucleotide within the consensus splice site of the intron. Variants that disrupt the consensus splice site are a relatively common cause of aberrant splicing (PMID: 17576681, 9536098). Algorithms developed to predict the effect of sequence changes on RNA splicing suggest that this variant is not likely to affect RNA splicing. In summary, the available evidence is currently insufficient to determine the role of this variant in disease. Therefore, it has been classified as a Variant of Uncertain Significance.

Literature cited by the submitters: PubMed 17576681; PubMed 9536098.

NM_001378030.1(CCDC78):c.953+3G>A

Gene: CCDC78 (coiled-coil domain containing 78; minus strand). Cytogenetic location: 16p13.3.
Variant type: single nucleotide variant.
Coding change: c.953+3G>A on transcript NM_001378030.1 (MANE Select); 3 bases into the intron after coding-DNA position 953, G replaced by A.
Molecular consequence: intron variant.
Genome position (GRCh38, 1-based): chr16:724,319, C>T on the plus strand (G>A on the coding strand, the complement: CCDC78 is on the minus strand). VCF-style: chr16-724319-C-T. GRCh37 (hg19) VCF-style: chr16-774319-C-T.
Other names: c.386+3G>A (NM_001378033.1); c.953+3G>A (NM_001378031.1, NM_001031737.3).
Identifiers: ClinVar variation 1395693 (VCV001395693.6), dbSNP rs2040612115, ClinGen allele CA2201211597.